The following is an entry in ClinVar:

ClinVar aggregate classification (germline): Uncertain significance. Review status: criteria provided, multiple submitters, no conflicts (2 of 4 stars). 4 submissions from 4 submitters: Uncertain significance (4). Last evaluated 2025-05-21.

Conditions:
Epidermolysis bullosa simplex 5C, with pyloric atresia (EBS5C). Also called: PLEC1-Related Epidermolysis Bullosa with Pyloric Atresia; PLEC-Related Epidermolysis Bullosa with Pyloric Atresia; Epidermolysis bullosa simplex with pyloric atresia. Identifiers: Orphanet 158684, MedGen C2677349, MONDO:0012807, OMIM 612138.
Epidermolysis bullosa simplex 5B, with muscular dystrophy (EBS5B). Also called: Epidermolysis bullosa simplex with muscular dystrophy; EPIDERMOLYSIS BULLOSA SIMPLEX AND LIMB-GIRDLE MUSCULAR DYSTROPHY. Identifiers: Orphanet 257, MedGen C2931072, MONDO:0009181, OMIM 226670.
Epidermolysis bullosa simplex, Ogna type (EBS5A). Also called: Pidermolysis bullosa simplex 5A, Ogna type; EPIDERMOLYSIS BULLOSA SIMPLEX 5A, OGNA TYPE. Identifiers: Orphanet 79401, MedGen C0432317, MONDO:0007555, OMIM 131950.
Autosomal recessive limb-girdle muscular dystrophy type 2Q (LGMDR17). Also called: MUSCULAR DYSTROPHY, LIMB-GIRDLE, AUTOSOMAL RECESSIVE 17. Identifiers: Orphanet 254361, MedGen C3150989, MONDO:0013390, OMIM 613723.
Epidermolysis bullosa simplex with nail dystrophy (EBS5D). Identifiers: MedGen C4225309, MONDO:0014661, OMIM 616487.
Inborn genetic diseases. Identifiers: MedGen C0950123, MeSH D030342.

Allele frequency attached by ClinVar (database versions not stated): gnomAD 0.00001; gnomAD exomes 0.00001; TOPMed 0.00002.
gnomAD v4.1: 32 of 1,613,728 alleles (0.002%); highest among the groups gnomAD compares: Non-Finnish European, 0.0027%; no homozygotes.

Submissions (4):

Labcorp Genetics (formerly Invitae), Labcorp
Classification: Uncertain significance for Autosomal recessive limb-girdle muscular dystrophy type 2Q; Epidermolysis bullosa simplex, Ogna type; Epidermolysis bullosa simplex with nail dystrophy; Epidermolysis bullosa simplex 5C, with pyloric atresia; Epidermolysis bullosa simplex 5B, with muscular dystrophy. Last evaluated: 2025-05-21. Review status: criteria provided, single submitter. Criteria: Invitae Variant Classification Sherloc (09022015). Collection method: clinical testing. Allele origin: germline.
Comment: This sequence change replaces leucine, which is neutral and non-polar, with methionine, which is neutral and non-polar, at codon 3568 of the PLEC protein (p.Leu3568Met). This variant is present in population databases (no rsID available, gnomAD 0.002%). This variant has not been reported in the literature in individuals affected with PLEC-related conditions. ClinVar contains an entry for this variant (Variation ID: 1033031). Invitae Evidence Modeling of protein sequence and biophysical properties (such as structural, functional, and spatial information, amino acid conservation, physicochemical variation, residue mobility, and thermodynamic stability) has been performed for this missense variant. However, the output from this modeling did not meet the statistical confidence thresholds required to predict the impact of this variant on PLEC protein function. In summary, the available evidence is currently insufficient to determine the role of this variant in disease. Therefore, it has been classified as a Variant of Uncertain Significance.

Blueprint Genetics
Classification: Uncertain significance. Last evaluated: 2024-05-24. Review status: criteria provided, single submitter. Criteria: ACMG Guidelines, 2015. Collection method: clinical testing. Allele origin: germline.

Ambry Genetics
Classification: Uncertain significance for Inborn genetic diseases. Last evaluated: 2021-08-12. Review status: criteria provided, single submitter. Criteria: Ambry Variant Classification Scheme 2023. Collection method: clinical testing. Allele origin: germline.

Baylor Genetics
Classification: Uncertain significance for Epidermolysis bullosa simplex 5C, with pyloric atresia. Last evaluated: 2018-08-09. Review status: criteria provided, single submitter. Criteria: ACMG Guidelines, 2015. Collection method: clinical testing. Allele origin: unknown. Affected: yes.
Comment: This variant was determined to be of uncertain significance according to ACMG Guidelines, 2015 [PMID:25741868].

NM_201384.3(PLEC):c.10621C>A (p.Leu3541Met)

Gene: PLEC (plectin; minus strand). Cytogenetic location: 8q24.3.
Variant type: single nucleotide variant.
Coding change: c.10621C>A on transcript NM_201384.3 (MANE Select); coding-DNA position 10621, C replaced by A.
Protein change: p.Leu3541Met; replaces leucine 3541 with methionine.
Molecular consequence: missense variant.
Genome position (GRCh38, 1-based): chr8:143,919,200, G>T on the plus strand (C>A on the coding strand, the complement: PLEC is on the minus strand). VCF-style: chr8-143919200-G-T. GRCh37 (hg19) VCF-style: chr8-144993368-G-T.
Other names: c.10702C>A, p.Leu3568Met (NM_000445.5); c.10579C>A, p.Leu3527Met (NM_201378.4); c.10555C>A, p.Leu3519Met (NM_201379.3); c.11032C>A, p.Leu3678Met (NM_201380.4); c.10525C>A, p.Leu3509Met (NM_201381.3); c.10621C>A, p.Leu3541Met (NM_201382.4); c.10633C>A, p.Leu3545Met (NM_201383.3); short protein forms L3519M, L3541M, L3527M, L3568M, L3678M, L3509M, L3545M.
Identifiers: ClinVar variation 1033031 (VCV001033031.7), dbSNP rs936688720, ClinGen allele CA187608754.
Genomic context (GRCh38, chr8:143,919,200, plus strand): 5'-CCTCAGTGTACACCTGCGTGGTCTCCACCACCTCAGCCTTCTCCGCCCCTTTCAGTGGCA[G>T]AAGGCGCAAGCCCGTCTCGGGGTCCTCCACGCACCGCTCCAGCAGCTGCCTGTACGTGAG-3'
Protein context (NP_958786.1, residues 3531-3551): VEDPETGLRL[Leu3541Met]PLKGAEKAEV